The following is an entry in ClinVar:

ClinVar aggregate classification (germline): Uncertain significance (1 of 4 stars; one submission).

Submission:

ARUP Laboratories, Molecular Genetics and Genomics, ARUP Laboratories
Classification: Uncertain significance. Last evaluated: 2018-04-04. Review status: criteria provided, single submitter. Criteria: ARUP Molecular Germline Variant Investigation Process. Collection method: clinical testing. Allele origin: germline.
Comment: The MT-CO3 c.112C>T; p.His38Tyr variant, to our knowledge, is not reported in the medical literature, gene specific variation databases, nor has it been previously identified by our laboratory. This variant is listed once in the Mitomap database in haplotype A8a. The histidine at position 38 is weakly conserved, considering 13 species, and a tyrosine codon is found at this position in the chimpanzee mitochondrial genome, suggesting this change may be evolutionarily tolerated. However, based on the available information, the clinical significance of the p.His38Tyr variant cannot be determined with certainty.

NC_012920.1:m.9318C>T

Gene: MT-CO3 (mitochondrially encoded cytochrome c oxidase III; plus strand).
Variant type: single nucleotide variant.
Genome position: chrM-9318-C-T.
Identifiers: ClinVar variation 618214 (VCV000618214.8), dbSNP rs1569484294, ClinGen allele CA414802683.